The following is an entry in ClinVar:

ClinVar aggregate classification (germline): Uncertain significance (1 of 4 stars; one submission).

Conditions:
Hypertrophic cardiomyopathy. Also called: HYPERTROPHIC MYOCARDIOPATHY. Identifiers: Orphanet 217569, MedGen C0007194, MeSH D002312, MONDO:0005045, HP:0001639.

Submission:

All of Us Research Program, National Institutes of Health
Classification: Uncertain significance for Hypertrophic cardiomyopathy. Last evaluated: 2023-10-27. Review status: criteria provided, single submitter. Criteria: ACMG Guidelines, 2015. Collection method: clinical testing. Allele origin: germline. Inheritance: Autosomal dominant inheritance. Observed: 1 variant allele, 1 heterozygote.
Comment: This missense variant replaces isoleucine with serine at codon 37 of the PRKAG2 protein. Computational prediction is inconclusive regarding the impact of this variant on protein structure and function (internally defined REVEL score threshold 0.5 < inconclusive < 0.7, PMID: 27666373). To our knowledge, functional studies have not been reported for this variant. This variant has not been reported in individuals affected with PRKAG2-related disorders in the literature. This variant has not been identified in the general population by the Genome Aggregation Database (gnomAD). The available evidence is insufficient to determine the role of this variant in disease conclusively. Therefore, this variant is classified as a Variant of Uncertain Significance.

This study involves interpretation of variants in research participants for the purpose of population health screening. Participant phenotype was not available at the time of variant classification. Additional details can be found in publication PMID: 35346344, PMCID: PMC8962531

NM_016203.4(PRKAG2):c.110T>G (p.Ile37Ser)

Gene: PRKAG2 (protein kinase AMP-activated non-catalytic subunit gamma 2; minus strand). Cytogenetic location: 7q36.1.
Variant type: single nucleotide variant.
Coding change: c.110T>G on transcript NM_016203.4 (MANE Select); coding-DNA position 110, T replaced by G.
Protein change: p.Ile37Ser; replaces isoleucine 37 with serine.
Molecular consequence: missense variant.
Genome position (GRCh38, 1-based): chr7:151,876,511, A>C on the plus strand (T>G on the coding strand, the complement: PRKAG2 is on the minus strand). VCF-style: chr7-151876511-A-C. GRCh37 (hg19) VCF-style: chr7-151573596-A-C.
Other names: c.110T>G, p.Ile37Ser (NM_001407021.1, NM_001407022.1, NM_001407023.1 and 2 more transcripts); short protein forms I37S.
Identifiers: ClinVar variation 3074166 (VCV003074166.1), dbSNP rs2485879292, ClinGen allele CA370071844.